The following is an entry in ClinVar:

ClinVar aggregate classification (germline): Uncertain significance (1 of 4 stars; one submission).

Conditions:
Ataxia-telangiectasia syndrome (AT). Also called: Cerebello-oculocutaneous telangiectasia; Immunodeficiency with ataxia telangiectasia; Ataxia-telangiectasia, complementation group D; AT, COMPLEMENTATION GROUP C; Ataxia-telangiectasia, complementation group E; LOUIS-BAR SYNDROME. Identifiers: Orphanet 100, MedGen C0004135, MONDO:0008840, OMIM 208900.

Submission:

Labcorp Genetics (formerly Invitae), Labcorp
Classification: Uncertain significance for Ataxia-telangiectasia syndrome. Last evaluated: 2017-05-02. Review status: criteria provided, single submitter. Criteria: Invitae Variant Classification Sherloc (09022015). Collection method: clinical testing. Allele origin: germline.
Comment: In summary, the exact genomic location of this variant is unknown and the impact of this duplication on ATM protein function has not been established. Therefore, it has been classified as a Variant of Uncertain Significance. Experimental studies and prediction algorithms are not available for this variant, and the functional significance of the duplicated amino acids is currently unknown. This variant has not been reported in the literature in individuals with a ATM-related disease. This variant is a gross duplication of the genomic region encompassing exons 14-16 of the ATM gene. While the exact position of the duplicated exons cannot be determined from this data, the duplicated copy of this region is likely in tandem and in-frame, therefore preserving the integrity of the reading frame.

NC_000011.9:g.(?_108126936)_(108129808_?)dup

Gene: ATM (ATM serine/threonine kinase; plus strand). Cytogenetic location: 11q22.3.
Variant type: Duplication.
Identifiers: ClinVar variation 453339 (VCV000453339.7).